The following is an entry in ClinVar:

ClinVar aggregate classification (germline): Pathogenic (1 of 4 stars; one submission).

Submission:

Labcorp Genetics (formerly Invitae), Labcorp
Classification: Pathogenic. Last evaluated: 2024-07-03. Review status: criteria provided, single submitter. Criteria: Invitae Variant Classification Sherloc (09022015). Collection method: clinical testing. Allele origin: germline.
Comment: This sequence change creates a premature translational stop signal (p.Gln750Serfs*48) in the LRP5 gene. It is expected to result in an absent or disrupted protein product. Loss-of-function variants in LRP5 are known to be pathogenic (PMID: 11719191, 16252235, 25711638). This variant is not present in population databases (gnomAD no frequency). This premature translational stop signal has been observed in individual(s) with osteoporosis-pseudoglioma syndrome (PMID: 16252235). This variant is also known as G749fsX797. ClinVar contains an entry for this variant (Variation ID: 1452942). For these reasons, this variant has been classified as Pathogenic.

Literature cited by the submitters: PubMed 11719191; PubMed 16252235; PubMed 25711638.

NM_002335.4(LRP5):c.2247del (p.Gln750fs)

Gene: LRP5 (LDL receptor related protein 5; plus strand). Cytogenetic location: 11q13.2.
Variant type: Deletion.
Coding change: c.2247del on transcript NM_002335.4 (MANE Select); coding-DNA position 2247, one base deleted (G; older notation c.2247delG).
Protein change: p.Gln750fs; shifts the reading frame from glutamine 750.
Molecular consequence: frameshift variant.
Genome position (GRCh38, 1-based): chr11:68,410,069, G deleted; the last of 3 consecutive G bases (chr11:68,410,067-68,410,069); deleting any one gives the same sequence. VCF-style (leftmost placement, unchanged base first): chr11-68410066-CG-C. GRCh37 (hg19) VCF-style: chr11-68177534-CG-C.
Other names: c.504del, p.Gln169fs (NM_001291902.2); short protein forms Q750fs, Q169fs.
Identifiers: ClinVar variation 1452942 (VCV001452942.6), dbSNP rs2153166468, ClinGen allele CA2573147530.